The following is an entry in ClinVar:

ClinVar aggregate classification (germline): Likely pathogenic (1 of 4 stars; one submission).

Conditions:
Neurodevelopmental disorder with language delay and behavioral abnormalities, with or without seizures (NEDLBAS). Identifiers: MedGen C5830365, MONDO:0859531, OMIM 620292.

gnomAD v4.1: 2 of 1,613,728 alleles (0.00012%); highest among the groups gnomAD compares: Non-Finnish European, 0.00017%; no homozygotes.

Submission:

Institute of Immunology and Genetics Kaiserslautern
Classification: Likely pathogenic for Neurodevelopmental disorder with language delay and behavioral abnormalities, with or without seizures. Last evaluated: 2024-09-23. Review status: criteria provided, single submitter. Criteria: ACMG Guidelines, 2015. Collection method: clinical testing. Allele origin: de novo. Affected: yes.
Comment: ACMG Criteria: PS2, PM2; Variant was found in heterozygous state. De novo-status was confirmed via in-house segregation analysis.

NM_012199.5(AGO1):c.1594C>T (p.Arg532Cys)

Gene: AGO1 (argonaute RISC component 1; plus strand). Cytogenetic location: 1p34.3.
Variant type: single nucleotide variant.
Coding change: c.1594C>T on transcript NM_012199.5 (MANE Select); coding-DNA position 1594, C replaced by T.
Protein change: p.Arg532Cys; replaces arginine 532 with cysteine.
Molecular consequence: missense variant.
Genome position (GRCh38, 1-based): chr1:35,913,853, C>T. VCF-style: chr1-35913853-C-T. GRCh37 (hg19) VCF-style: chr1-36379454-C-T.
Other names: c.1594C>T, p.Arg532Cys (NM_001317122.2); c.1369C>T, p.Arg457Cys (NM_001317123.2); short protein forms R457C, R532C.
Identifiers: ClinVar variation 3366942 (VCV003366942.1).